The following is an entry in ClinVar:

NM_032656.4(DHX37):c.2148C>A (p.Asn716Lys)

Gene: DHX37 (DEAH-box helicase 37; minus strand). Cytogenetic location: 12q24.31.
Variant type: single nucleotide variant.
Coding change: c.2148C>A on transcript NM_032656.4 (MANE Select); coding-DNA position 2148, C replaced by A.
Protein change: p.Asn716Lys; replaces asparagine 716 with lysine.
Molecular consequence: missense variant.
Genome position (GRCh38, 1-based): chr12:124,960,321, G>T on the plus strand (C>A on the coding strand, the complement: DHX37 is on the minus strand). VCF-style: chr12-124960321-G-T. GRCh37 (hg19) VCF-style: chr12-125444867-G-T.
Other names: short protein forms N716K.
Identifiers: ClinVar variation 2880788 (VCV002880788.3), dbSNP rs766329234, ClinGen allele CA387223968.

ClinVar aggregate classification (germline): Uncertain significance (1 of 4 stars; one submission).

gnomAD v4.1: 1 of 1,613,408 alleles (0.000062%); highest among the groups gnomAD compares: Admixed American, 0.0017%; no homozygotes.

Submission:

Labcorp Genetics (formerly Invitae), Labcorp
Classification: Uncertain significance. Last evaluated: 2023-02-16. Review status: criteria provided, single submitter. Criteria: Invitae Variant Classification Sherloc (09022015). Collection method: clinical testing. Allele origin: germline.
Comment: This variant has not been reported in the literature in individuals affected with DHX37-related conditions. In summary, the available evidence is currently insufficient to determine the role of this variant in disease. Therefore, it has been classified as a Variant of Uncertain Significance. Advanced modeling of protein sequence and biophysical properties (such as structural, functional, and spatial information, amino acid conservation, physicochemical variation, residue mobility, and thermodynamic stability) performed at Invitae indicates that this missense variant is not expected to disrupt DHX37 protein function. This variant is not present in population databases (gnomAD no frequency). This sequence change replaces asparagine, which is neutral and polar, with lysine, which is basic and polar, at codon 716 of the DHX37 protein (p.Asn716Lys).